The following is an entry in ClinVar:

ClinVar aggregate classification (germline): Pathogenic (1 of 4 stars; one submission).

Conditions:
Kabuki syndrome 1 (KABUK1). Also called: KMT2D-Related Kabuki Syndrome. Identifiers: Orphanet 2322, MedGen CN030661, MONDO:0007843, OMIM 147920.

Submission:

MGZ Medical Genetics Center
Classification: Pathogenic for Kabuki syndrome 1. Last evaluated: 2022-05-27. Review status: criteria provided, single submitter. Criteria: ACMG Guidelines, 2015. Collection method: clinical testing. Allele origin: germline. Affected: yes. Observed: 1 variant allele.
Comment: ACMG criteria applied: PVS1, PS2_MOD, PM2_SUP

NM_003482.4(KMT2D):c.177-1G>A

Gene: KMT2D (lysine methyltransferase 2D; minus strand). Cytogenetic location: 12q13.12.
Variant type: single nucleotide variant.
Coding change: c.177-1G>A on transcript NM_003482.4 (MANE Select); the canonical splice acceptor site of the intron before coding-DNA position 177, G replaced by A.
Molecular consequence: splice acceptor variant.
Genome position (GRCh38, 1-based): chr12:49,054,752, C>T on the plus strand (G>A on the coding strand, the complement: KMT2D is on the minus strand). VCF-style: chr12-49054752-C-T. GRCh37 (hg19) VCF-style: chr12-49448535-C-T.
Identifiers: ClinVar variation 1709061 (VCV001709061.2), dbSNP rs2120713766, ClinGen allele CA384689448.
Genomic context (GRCh38, chr12:49,054,752, plus strand): 5'-TGCCCGTGTAGACTGGGCTCCCCGCAGTTACAGAGAGCACAACGCCGCACCGGACCCCCA[C>T]TGTGGACACACAAGCATCAGTACCACGCCAGGCCCCCAGCAACCCCATGATCTGGCATGC-3'